The following is an entry in ClinVar:

NM_000287.4(PEX6):c.2476G>A (p.Val826Met)

Gene: PEX6 (peroxisomal biogenesis factor 6; minus strand). Cytogenetic location: 6p21.1.
Variant type: single nucleotide variant.
Coding change: c.2476G>A on transcript NM_000287.4 (MANE Select); coding-DNA position 2476, G replaced by A.
Protein change: p.Val826Met; replaces valine 826 with methionine.
Molecular consequence: missense variant. On other transcripts: non-coding transcript variant (1).
Genome position (GRCh38, 1-based): chr6:42,965,364, C>T on the plus strand (G>A on the coding strand, the complement: PEX6 is on the minus strand). VCF-style: chr6-42965364-C-T. GRCh37 (hg19) VCF-style: chr6-42933102-C-T.
Other names: c.2212G>A, p.Val738Met (NM_001316313.2); short protein forms V826M, V738M.
Identifiers: ClinVar variation 1498627 (VCV001498627.5), dbSNP rs1769733515, ClinGen allele CA364151228.

ClinVar aggregate classification (germline): Uncertain significance (1 of 4 stars; one submission).

Conditions:
Peroxisome biogenesis disorder. Identifiers: Orphanet 79189, MedGen C1832200, MONDO:0019234. Disease mechanism: loss of function.

Allele frequency attached by ClinVar (database versions not stated): TOPMed below 0.00001.

Submission:

Labcorp Genetics (formerly Invitae), Labcorp
Classification: Uncertain significance for Peroxisome biogenesis disorder. Last evaluated: 2021-08-27. Review status: criteria provided, single submitter. Criteria: Invitae Variant Classification Sherloc (09022015). Collection method: clinical testing. Allele origin: germline.
Comment: This sequence change replaces valine with methionine at codon 826 of the PEX6 protein (p.Val826Met). The valine residue is highly conserved and there is a small physicochemical difference between valine and methionine. This variant is not present in population databases (ExAC no frequency). This variant has not been reported in the literature in individuals affected with PEX6-related conditions. Algorithms developed to predict the effect of missense changes on protein structure and function are either unavailable or do not agree on the potential impact of this missense change (SIFT: "Deleterious"; PolyPhen-2: "Probably Damaging"; Align-GVGD: "Class C15"). In summary, the available evidence is currently insufficient to determine the role of this variant in disease. Therefore, it has been classified as a Variant of Uncertain Significance.